The following is an entry in ClinVar:

ClinVar aggregate classification (germline): Benign. Review status: criteria provided, multiple submitters, no conflicts (2 of 4 stars). 6 submissions from 4 submitters: Benign (6). Last evaluated 2021-07-01.

Conditions:
Usher syndrome type 1 (USH1). Also called: RETINITIS PIGMENTOSA AND CONGENITAL DEAFNESS. Identifiers: Orphanet 231169, Orphanet 886, MedGen C1568247, MONDO:0010168, OMIM 276900.
Autosomal dominant nonsyndromic hearing loss 11. Identifiers: Orphanet 90635, MedGen C1832475, MONDO:0011032, OMIM 601317.
Autosomal recessive nonsyndromic hearing loss 2. Also called: DEAFNESS, AUTOSOMAL RECESSIVE 2; NEUROSENSORY NONSYNDROMIC RECESSIVE DEAFNESS 2. Identifiers: Orphanet 90636, MedGen C1838701, MONDO:0010807, OMIM 600060.

Allele frequency attached by ClinVar (database versions not stated): 1000 Genomes Project 30x 0.80184; 1000 Genomes Project 0.80771; TOPMed 0.85780; gnomAD 0.86951 and 0.87075; ESP Exome Variant Server 0.87256; ExAC 0.90448; gnomAD exomes 0.91352 and 0.94957.
gnomAD v4.1: 1,350,510 of 1,435,954 alleles (94%); highest among the groups gnomAD compares: Non-Finnish European, 97%; 639,293 homozygotes.

Submissions (6):

Genome-Nilou Lab
Classification: Benign for Autosomal dominant nonsyndromic hearing loss 11. Last evaluated: 2021-07-01. Review status: criteria provided, single submitter. Criteria: ACMG Guidelines, 2015. Collection method: clinical testing. Allele origin: germline. Affected: no.

Genome-Nilou Lab
Classification: Benign for Autosomal recessive nonsyndromic hearing loss 2. Last evaluated: 2021-07-01. Review status: criteria provided, single submitter. Criteria: ACMG Guidelines, 2015. Collection method: clinical testing. Allele origin: germline. Affected: no.

Genome-Nilou Lab
Classification: Benign for Usher syndrome type 1. Last evaluated: 2021-07-01. Review status: criteria provided, single submitter. Criteria: ACMG Guidelines, 2015. Collection method: clinical testing. Allele origin: germline. Affected: no.

GeneDx
Classification: Benign. Last evaluated: 2018-06-13. Review status: criteria provided, single submitter. Criteria: GeneDx Variant Classification (06012015). Collection method: clinical testing. Allele origin: germline. Affected: yes.
Comment: This variant is considered likely benign or benign based on one or more of the following criteria: it is a conservative change, it occurs at a poorly conserved position in the protein, it is predicted to be benign by multiple in silico algorithms, and/or has population frequency not consistent with disease.

Breakthrough Genomics
Classification: Benign. Review status: criteria provided, single submitter. Criteria: ACMG Guidelines, 2015. Collection method: not provided. Allele origin: germline. Inheritance: Autosomal recessive inheritance. Affected: yes.

PreventionGenetics, part of Exact Sciences
Classification: Benign. Review status: criteria provided, single submitter. Criteria: ACMG Guidelines, 2015. Collection method: clinical testing. Allele origin: germline.

NM_000260.4(MYO7A):c.6438+50A>T

Gene: MYO7A (myosin VIIA; plus strand). Cytogenetic location: 11q13.5.
Variant type: single nucleotide variant.
Coding change: c.6438+50A>T on transcript NM_000260.4 (MANE Select); 50 bases into the intron after coding-DNA position 6438, A replaced by T.
Molecular consequence: intron variant.
Genome position (GRCh38, 1-based): chr11:77,213,085, A>T. VCF-style: chr11-77213085-A-T. GRCh37 (hg19) VCF-style: chr11-76924130-A-T.
Other names: c.6291+50A>T (NM_001369365.1); c.6318+50A>T (NM_001127180.2).
Identifiers: ClinVar variation 255665 (VCV000255665.6), dbSNP rs2276289, ClinGen allele CA6199071.